The following is an entry in ClinVar:

NM_000535.7(PMS2):c.2010A>G (p.Lys670=)

Gene: PMS2 (PMS1 homolog 2, mismatch repair system component; minus strand). Cytogenetic location: 7p22.1.
Variant type: single nucleotide variant.
Coding change: c.2010A>G on transcript NM_000535.7 (MANE Select); coding-DNA position 2010, A replaced by G.
Protein change: p.Lys670=; no amino-acid change (lysine 670 retained).
Molecular consequence: synonymous variant. On other transcripts: non-coding transcript variant (1).
Genome position (GRCh38, 1-based): chr7:5,982,988, T>C on the plus strand (A>G on the coding strand, the complement: PMS2 is on the minus strand). VCF-style: chr7-5982988-T-C. GRCh37 (hg19) VCF-style: chr7-6022619-T-C.
Other names: c.1605A>G, p.Lys535= (NM_001322003.2, NM_001322004.2, NM_001322005.2 and 1 more transcripts); c.1854A>G, p.Lys618= (NM_001322006.2); c.1692A>G, p.Lys564= (NM_001322007.2, NM_001322008.2); c.1449A>G, p.Lys483= (NM_001322010.2); c.1077A>G, p.Lys359= (NM_001322011.2, NM_001322012.2); c.1437A>G, p.Lys479= (NM_001322013.2); c.2010A>G, p.Lys670= (NM_001322014.2); c.1701A>G, p.Lys567= (NM_001322015.2).
Identifiers: ClinVar variation 233313 (VCV000233313.11), dbSNP rs745305784, ClinGen allele CA046404.

ClinVar aggregate classification (germline): Benign/Likely benign. Review status: criteria provided, multiple submitters, no conflicts (2 of 4 stars). 4 submissions from 4 submitters: Benign (1); Likely benign (3). Last evaluated 2025-02-03.

Conditions:
Hereditary cancer-predisposing syndrome. Also called: Neoplastic Syndromes, Hereditary; Tumor predisposition; Hereditary Cancer Syndrome; Hereditary neoplastic syndrome. Identifiers: Orphanet 140162, MedGen C0027672, MeSH D009386, MONDO:0015356.
Hereditary nonpolyposis colorectal neoplasms. Identifiers: MedGen C0009405, MeSH D003123.
Lynch syndrome 4 (LYNCH4). Also called: Colorectal cancer, hereditary nonpolyposis, type 4; Hereditary non-polyposis colorectal cancer, type 4. Identifiers: Orphanet 144, MedGen C1838333, MONDO:0013699, OMIM 614337. Disease mechanism: loss of function.

Allele frequency attached by ClinVar (database versions not stated): ExAC below 0.00001; gnomAD 0.00001; TOPMed 0.00002.

Submissions (4):

Myriad Genetics, Inc.
Classification: Benign for Lynch syndrome 4. Last evaluated: 2025-02-03. Review status: criteria provided, single submitter. Criteria: Myriad Autosomal Dominant, Autosomal Recessive and X-Linked Classification Criteria (2023). Collection method: clinical testing. Allele origin: unknown.
Comment: This variant is considered benign. This variant is a silent/synonymous amino acid change and it is not expected to impact splicing.

Labcorp Genetics (formerly Invitae), Labcorp
Classification: Likely benign for Hereditary nonpolyposis colorectal neoplasms. Last evaluated: 2024-06-10. Review status: criteria provided, single submitter. Criteria: Invitae Variant Classification Sherloc (09022015). Collection method: clinical testing. Allele origin: germline.

GeneDx
Classification: Likely benign. Last evaluated: 2017-10-12. Review status: criteria provided, single submitter. Criteria: GeneDx Variant Classification (06012015). Collection method: clinical testing. Allele origin: germline. Affected: yes.
Comment: This variant is considered likely benign or benign based on one or more of the following criteria: it is a conservative change, it occurs at a poorly conserved position in the protein, it is predicted to be benign by multiple in silico algorithms, and/or has population frequency not consistent with disease.

Ambry Genetics
Classification: Likely benign for Hereditary cancer-predisposing syndrome. Last evaluated: 2015-08-07. Review status: criteria provided, single submitter. Criteria: Ambry Variant Classification Scheme 2023. Collection method: clinical testing. Allele origin: germline.